The following is an entry in ClinVar:

NM_001273.5(CHD4):c.1010G>A (p.Ser337Asn)

Gene: CHD4 (chromodomain helicase DNA binding protein 4; minus strand). Cytogenetic location: 12p13.31.
Variant type: single nucleotide variant.
Coding change: c.1010G>A on transcript NM_001273.5 (MANE Select); coding-DNA position 1010, G replaced by A.
Protein change: p.Ser337Asn; replaces serine 337 with asparagine.
Molecular consequence: missense variant.
Genome position (GRCh38, 1-based): chr12:6,600,587, C>T on the plus strand (G>A on the coding strand, the complement: CHD4 is on the minus strand). VCF-style: chr12-6600587-C-T. GRCh37 (hg19) VCF-style: chr12-6709753-C-T.
Other names: c.989G>A, p.Ser330Asn (NM_001297553.2); c.1010G>A, p.Ser337Asn (NM_001363606.2); short protein forms S330N, S337N.
Identifiers: ClinVar variation 5017748 (VCV005017748.1).

ClinVar aggregate classification (germline): Uncertain significance (1 of 4 stars; one submission).

Submission:

GeneDx
Classification: Uncertain significance. Last evaluated: 2026-03-31. Review status: criteria provided, single submitter. Criteria: GeneDx Variant Classification Process June 2021. Collection method: clinical testing. Allele origin: germline.
Comment: Not observed at significant frequency in large population cohorts (gnomAD); In silico analysis suggests that this missense variant does not alter protein structure/function; Has not been previously published as pathogenic or benign to our knowledge